The following is an entry in ClinVar:

NM_002444.3(MSN):c.794C>T (p.Pro265Leu)

Gene: MSN (moesin; plus strand). Cytogenetic location: Xq12.
Variant type: single nucleotide variant.
Coding change: c.794C>T on transcript NM_002444.3 (MANE Select); coding-DNA position 794, C replaced by T.
Protein change: p.Pro265Leu; replaces proline 265 with leucine.
Molecular consequence: missense variant.
Genome position (GRCh38, 1-based): chrX:65,733,279, C>T. VCF-style: chrX-65733279-C-T. GRCh37 (hg19) VCF-style: chrX-64953141-C-T.
Other names: c.797C>T, p.Pro266Leu (NM_001440778.1); short protein forms P265L, P266L.
Identifiers: ClinVar variation 4780811 (VCV004780811.1).

ClinVar aggregate classification (germline): Uncertain significance (1 of 4 stars; one submission).

gnomAD v4.1: 5 of 1,198,884 alleles (0.00042%); highest among the groups gnomAD compares: East Asian, 0.003%; no homozygotes.

Submission:

Labcorp Genetics (formerly Invitae), Labcorp
Classification: Uncertain significance. Last evaluated: 2025-04-20. Review status: criteria provided, single submitter. Criteria: Invitae Variant Classification Sherloc (09022015). Collection method: clinical testing. Allele origin: germline.
Comment: This sequence change replaces proline, which is neutral and non-polar, with leucine, which is neutral and non-polar, at codon 265 of the MSN protein (p.Pro265Leu). The frequency data for this variant in the population databases is considered unreliable, as metrics indicate poor data quality at this position in the gnomAD database. This variant has not been reported in the literature in individuals affected with MSN-related conditions. An algorithm developed to predict the effect of missense changes on protein structure and function (PolyPhen-2) suggests that this variant is likely to be disruptive. In summary, the available evidence is currently insufficient to determine the role of this variant in disease. Therefore, it has been classified as a Variant of Uncertain Significance.